The following is an entry in ClinVar:

ClinVar aggregate classification (germline): Uncertain significance (1 of 4 stars; one submission).

Allele frequency attached by ClinVar (database versions not stated): gnomAD exomes below 0.00001; TOPMed below 0.00001.
gnomAD v4.1: 2 of 1,614,200 alleles (0.00012%); highest among the groups gnomAD compares: Non-Finnish European, 0.00017%; no homozygotes.

Submission:

Ambry Genetics
Classification: Uncertain significance. Last evaluated: 2022-04-10. Review status: criteria provided, single submitter. Criteria: Ambry Variant Classification Scheme 2023. Collection method: clinical testing. Allele origin: germline.
Comment: The p.S1327N variant (also known as c.3980G>A), located in coding exon 17 of the NPAT gene, results from a G to A substitution at nucleotide position 3980. The serine at codon 1327 is replaced by asparagine, an amino acid with highly similar properties. This amino acid position is conserved. In addition, this alteration is predicted to be tolerated by in silico analysis. Since supporting evidence is limited at this time, the clinical significance of this alteration remains unclear.

NM_002519.3(NPAT):c.3980G>A (p.Ser1327Asn)

Gene: NPAT (nuclear protein, coactivator of histone transcription; minus strand). Cytogenetic location: 11q22.3.
Variant type: single nucleotide variant.
Coding change: c.3980G>A on transcript NM_002519.3 (MANE Select); coding-DNA position 3980, G replaced by A.
Protein change: p.Ser1327Asn; replaces serine 1327 with asparagine.
Molecular consequence: missense variant.
Genome position (GRCh38, 1-based): chr11:108,161,106, C>T on the plus strand (G>A on the coding strand, the complement: NPAT is on the minus strand). VCF-style: chr11-108161106-C-T. GRCh37 (hg19) VCF-style: chr11-108031833-C-T.
Other names: c.4001G>A, p.Ser1334Asn (NM_001321307.1); short protein forms S1327N, S1334N.
Identifiers: ClinVar variation 1736700 (VCV001736700.2), dbSNP rs1055603946, ClinGen allele CA228373280.
Genomic context (GRCh38, chr11:108,161,106, plus strand): 5'-GTAGTCCTAGAAATGGCTGCCCTGGAGAGAATCATTAATGTGTGGGCAGCCATATTTACA[C>T]TGTTTTCACTTCCTGTTTCACTGGCAGGGCTGCAGGCAGGCAAGTCTGGGGTGACAGGAG-3'
Protein context (NP_002510.2, residues 1317-1337): SPASETGSEN[Ser1327Asn]VNMAAHTLMI